The following is an entry in ClinVar:

ClinVar aggregate classification (germline): Uncertain significance. Review status: criteria provided, multiple submitters, no conflicts (2 of 4 stars). 2 submissions from 2 submitters: Uncertain significance (2). Last evaluated 2024-08-20.

Allele frequency attached by ClinVar (database versions not stated): ExAC 0.00001; gnomAD exomes 0.00002 and 0.00004; TOPMed 0.00005; gnomAD 0.00006; ESP Exome Variant Server 0.00008.
gnomAD v4.1: 63 of 1,613,662 alleles (0.0039%); highest among the groups gnomAD compares: African/African-American, 0.0053%; no homozygotes.

Submissions (2):

Blueprint Genetics
Classification: Uncertain significance. Last evaluated: 2024-08-20. Review status: criteria provided, single submitter. Criteria: ACMG Guidelines, 2015. Collection method: clinical testing. Allele origin: germline.

Labcorp Genetics (formerly Invitae), Labcorp
Classification: Uncertain significance. Last evaluated: 2022-02-23. Review status: criteria provided, single submitter. Criteria: Invitae Variant Classification Sherloc (09022015). Collection method: clinical testing. Allele origin: germline.
Comment: This sequence change replaces methionine, which is neutral and non-polar, with valine, which is neutral and non-polar, at codon 244 of the PDE6C protein (p.Met244Val). This variant is present in population databases (rs370504949, gnomAD 0.004%). This variant has not been reported in the literature in individuals affected with PDE6C-related conditions. Algorithms developed to predict the effect of missense changes on protein structure and function (SIFT, PolyPhen-2, Align-GVGD) all suggest that this variant is likely to be tolerated. In summary, the available evidence is currently insufficient to determine the role of this variant in disease. Therefore, it has been classified as a Variant of Uncertain Significance.

NM_006204.4(PDE6C):c.730A>G (p.Met244Val)

Gene: PDE6C (phosphodiesterase 6C; plus strand). Cytogenetic location: 10q23.33.
Variant type: single nucleotide variant.
Coding change: c.730A>G on transcript NM_006204.4 (MANE Select); coding-DNA position 730, A replaced by G.
Protein change: p.Met244Val; replaces methionine 244 with valine.
Molecular consequence: missense variant.
Genome position (GRCh38, 1-based): chr10:93,621,938, A>G. VCF-style: chr10-93621938-A-G. GRCh37 (hg19) VCF-style: chr10-95381695-A-G.
Other names: short protein forms M244V.
Identifiers: ClinVar variation 1400939 (VCV001400939.4), dbSNP rs370504949, ClinGen allele CA5609935.